The following is an entry in ClinVar:

NM_152564.5(VPS13B):c.511G>A (p.Val171Ile)

Gene: VPS13B (vacuolar protein sorting 13 homolog B; plus strand). Cytogenetic location: 8q22.2.
Variant type: single nucleotide variant.
Coding change: c.511G>A on transcript NM_152564.5 (MANE Select); coding-DNA position 511, G replaced by A.
Protein change: p.Val171Ile; replaces valine 171 with isoleucine.
Molecular consequence: missense variant. On other transcripts: non-coding transcript variant (1).
Genome position (GRCh38, 1-based): chr8:99,103,051, G>A. VCF-style: chr8-99103051-G-A. GRCh37 (hg19) VCF-style: chr8-100115279-G-A.
Other names: c.511G>A, p.Val171Ile (NM_181661.3, NM_015243.3, NM_017890.5); c.511G>A (NM_152564.4, NM_017890.3); short protein forms V171I.
Identifiers: ClinVar variation 1012065 (VCV001012065.11), dbSNP rs529286193, ClinGen allele CA4822404.

ClinVar aggregate classification (germline): Uncertain significance. Review status: criteria provided, multiple submitters, no conflicts (2 of 4 stars). 4 submissions from 4 submitters: Uncertain significance (2). 2 of the submissions do not count toward it. Last evaluated 2025-08-07.

Conditions:
Cohen syndrome (COH1). Also called: PEPPER SYNDROME; Cutis verticis gyrata, retinitis pigmentosa, and sensorineural deafness. Identifiers: Orphanet 193, MedGen C0265223, MONDO:0008999, OMIM 216550.
VPS13B-related disorder. Also called: VPS13B-related condition.
Inborn genetic diseases. Identifiers: MedGen C0950123, MeSH D030342.

Allele frequency attached by ClinVar (database versions not stated): gnomAD exomes 0.00002 and 0.00005; gnomAD 0.00004; TOPMed 0.00005; ExAC 0.00006; 1000 Genomes Project 30x 0.00016; 1000 Genomes Project 0.00020.

Submissions (4):

Ambry Genetics
Classification: Uncertain significance for Inborn genetic diseases. Last evaluated: 2025-08-07. Review status: criteria provided, single submitter. Criteria: Ambry Variant Classification Scheme 2023. Collection method: clinical testing. Allele origin: germline.

Labcorp Genetics (formerly Invitae), Labcorp
Classification: Uncertain significance for Cohen syndrome. Last evaluated: 2022-03-31. Review status: criteria provided, single submitter. Criteria: Invitae Variant Classification Sherloc (09022015). Collection method: clinical testing. Allele origin: germline.
Comment: This sequence change replaces valine, which is neutral and non-polar, with isoleucine, which is neutral and non-polar, at codon 171 of the VPS13B protein (p.Val171Ile). This variant is present in population databases (rs529286193, gnomAD 0.02%). This variant has not been reported in the literature in individuals affected with VPS13B-related conditions. ClinVar contains an entry for this variant (Variation ID: 1012065). Algorithms developed to predict the effect of missense changes on protein structure and function are either unavailable or do not agree on the potential impact of this missense change (SIFT: "Not Available"; PolyPhen-2: "Benign"; Align-GVGD: "Not Available"). In summary, the available evidence is currently insufficient to determine the role of this variant in disease. Therefore, it has been classified as a Variant of Uncertain Significance.

PreventionGenetics, part of Exact Sciences
Classification: Uncertain significance for VPS13B-related condition. Last evaluated: 2024-08-19. Review status: no assertion criteria provided. Collection method: clinical testing. Allele origin: germline. Not counted in ClinVar's aggregate classification.
Comment: The VPS13B c.511G>A variant is predicted to result in the amino acid substitution p.Val171Ile. To our knowledge, this variant has not been reported in the literature. This variant is reported in 0.020% of alleles in individuals of East Asian descent in gnomAD. At this time, the clinical significance of this variant is uncertain due to the absence of conclusive functional and genetic evidence.

Natera, Inc.
Classification: Uncertain significance for Cohen syndrome. Last evaluated: 2020-02-10. Review status: no assertion criteria provided. Collection method: clinical testing. Allele origin: germline. Not counted in ClinVar's aggregate classification.